The following is an entry in ClinVar:

ClinVar aggregate classification (germline): Benign/Likely benign. Review status: criteria provided, multiple submitters, no conflicts (2 of 4 stars). 6 submissions from 6 submitters: Benign (5); Likely benign (1). Last evaluated 2026-03-01.

Conditions:
Norman-Roberts syndrome (LIS2). Also called: Lissencephaly 2 (Norman-Roberts type). Identifiers: Orphanet 89844, MedGen C0796089, MONDO:0009760, OMIM 257320.
Familial temporal lobe epilepsy 7. Identifiers: Orphanet 101046, MedGen C4225327, MONDO:0014639, OMIM 616436.

Allele frequency attached by ClinVar (database versions not stated): gnomAD exomes 0.00115; ExAC 0.00150; gnomAD 0.00412; TOPMed 0.00454; ESP Exome Variant Server 0.00507; 1000 Genomes Project 0.00819; 1000 Genomes Project 30x 0.00984.
gnomAD v4.1: 1,225 of 1,613,686 alleles (0.076%); highest among the groups gnomAD compares: African/African-American, 1.5%; 11 homozygotes.

Submissions (6):

CeGaT Center for Human Genetics Tuebingen
Classification: Likely benign. Last evaluated: 2026-03-01. Review status: criteria provided, single submitter. Criteria: CeGaT Center For Human Genetics Tuebingen Variant Classification Criteria Version 2. Collection method: clinical testing. Allele origin: germline. Affected: yes. Observed: 5 variant alleles.
Comment: RELN: BP4, BP7, BS1

Labcorp Genetics (formerly Invitae), Labcorp
Classification: Benign for Familial temporal lobe epilepsy 7; Norman-Roberts syndrome. Last evaluated: 2026-02-03. Review status: criteria provided, single submitter. Criteria: Invitae Variant Classification Sherloc (09022015). Collection method: clinical testing. Allele origin: germline.

Mayo Clinic Laboratories, Mayo Clinic
Classification: Benign. Last evaluated: 2022-01-23. Review status: criteria provided, single submitter. Criteria: ACMG Guidelines, 2015. Collection method: clinical testing. Allele origin: germline. Observed: 4 variant alleles.
Comment: BS1, BS2, BP4, BP7

GeneDx
Classification: Benign. Last evaluated: 2018-12-13. Review status: criteria provided, single submitter. Criteria: GeneDx Variant Classification Process June 2021. Collection method: clinical testing. Allele origin: germline. Affected: yes.

Genetic Services Laboratory, University of Chicago
Classification: Benign. Last evaluated: 2018-08-08. Review status: criteria provided, single submitter. Criteria: ACMG Guidelines, 2015. Collection method: clinical testing. Allele origin: germline. Affected: no.

Breakthrough Genomics
Classification: Benign. Review status: criteria provided, single submitter. Criteria: ACMG Guidelines, 2015. Collection method: not provided. Allele origin: germline. Inheritance: Autosomal recessive inheritance. Affected: yes.

NM_005045.4(RELN):c.4986C>G (p.Thr1662=)

Gene: RELN (reelin; minus strand). Cytogenetic location: 7q22.1.
Variant type: single nucleotide variant.
Coding change: c.4986C>G on transcript NM_005045.4 (MANE Select); coding-DNA position 4986, C replaced by G.
Protein change: p.Thr1662=; no amino-acid change (threonine 1662 retained).
Molecular consequence: synonymous variant.
Genome position (GRCh38, 1-based): chr7:103,565,502, G>C on the plus strand (C>G on the coding strand, the complement: RELN is on the minus strand). VCF-style: chr7-103565502-G-C. GRCh37 (hg19) VCF-style: chr7-103205949-G-C.
Other names: p.Thr1662=; c.4986C>G, p.Thr1662= (NM_173054.3).
Identifiers: ClinVar variation 384934 (VCV000384934.43), dbSNP rs78221963, ClinGen allele CA4421346.